The following is an entry in ClinVar:

ClinVar aggregate classification (germline): Pathogenic. Review status: criteria provided, single submitter (1 of 4 stars). 2 submissions from 2 submitters: Pathogenic (1). 1 of the submissions does not count toward it. Last evaluated 2024-07-25.

Conditions:
Fanconi anemia (FA). Also called: Fanconi's anemia. Identifiers: Orphanet 84, MedGen C0015625, MeSH D005199, MONDO:0019391.
Fanconi anemia complementation group C (FANCC). Also called: Fanconi anemia, group C; FANCONI PANCYTOPENIA, TYPE 3; FACC; FANCC-Related Fanconi Anemia. Identifiers: Orphanet 84, MedGen C3468041, MONDO:0009213, OMIM 227645.

Allele frequency attached by ClinVar (database versions not stated): TOPMed below 0.00001.

Submissions (2):

Labcorp Genetics (formerly Invitae), Labcorp
Classification: Pathogenic for Fanconi anemia. Last evaluated: 2024-07-25. Review status: criteria provided, single submitter. Criteria: Invitae Variant Classification Sherloc (09022015). Collection method: clinical testing. Allele origin: germline.
Comment: This sequence change creates a premature translational stop signal (p.Trp506*) in the FANCC gene. While this is not anticipated to result in nonsense mediated decay, it is expected to disrupt the last 53 amino acid(s) of the FANCC protein. This variant is not present in population databases (gnomAD no frequency). This variant has not been reported in the literature in individuals affected with FANCC-related conditions. ClinVar contains an entry for this variant (Variation ID: 370437). This variant disrupts a region of the FANCC protein in which other variant(s) (p.Arg548*) have been determined to be pathogenic (PMID: 8103176, 8882868, 24584348). This suggests that this is a clinically significant region of the protein, and that variants that disrupt it are likely to be disease-causing. For these reasons, this variant has been classified as Pathogenic.

Counsyl
Classification: Likely pathogenic for Fanconi anemia complementation group C. Last evaluated: 2016-02-09. Review status: no assertion criteria provided. Collection method: clinical testing. Allele origin: unknown. Not counted in ClinVar's aggregate classification.

Literature cited by the submitters: PubMed 8103176 (cited by Labcorp Genetics (formerly Invitae), Labcorp); PubMed 8882868 (cited by Labcorp Genetics (formerly Invitae), Labcorp and Counsyl); PubMed 24584348 (cited by Labcorp Genetics (formerly Invitae), Labcorp).

NM_000136.3(FANCC):c.1517G>A (p.Trp506Ter)

Genes: AOPEP (aminopeptidase O (putative); plus strand), FANCC (FA complementation group C; minus strand). Cytogenetic location: 9q22.32.
Variant type: single nucleotide variant.
Coding change: c.1517G>A on transcript NM_000136.3 (MANE Select); coding-DNA position 1517, G replaced by A.
Protein change: p.Trp506Ter; replaces tryptophan 506 with a stop codon.
Molecular consequence: nonsense.
Genome position (GRCh38, 1-based): chr9:95,107,082, C>T on the plus strand (G>A on the coding strand, the complement: FANCC is on the minus strand). VCF-style: chr9-95107082-C-T. GRCh37 (hg19) VCF-style: chr9-97869364-C-T.
Other names: c.1517G>A, p.Trp506Ter (NM_001243743.2); short protein forms W506*.
Identifiers: ClinVar variation 370437 (VCV000370437.10), dbSNP rs1057516488, ClinGen allele CA16041337.